The following is an entry in ClinVar:

ClinVar aggregate classification (germline): Uncertain significance (1 of 4 stars; one submission).

gnomAD v4.1: 2 of 1,614,062 alleles (0.00012%); no homozygotes.

Submission:

Labcorp Genetics (formerly Invitae), Labcorp
Classification: Uncertain significance. Last evaluated: 2026-01-14. Review status: criteria provided, single submitter. Criteria: Invitae Variant Classification Sherloc (09022015). Collection method: clinical testing. Allele origin: germline.
Comment: This sequence change replaces alanine, which is neutral and non-polar, with glycine, which is neutral and non-polar, at codon 2690 of the VCAN protein (p.Ala2690Gly). This variant is not present in population databases (gnomAD no frequency). This variant has not been reported in the literature in individuals affected with VCAN-related conditions. ClinVar contains an entry for this variant (Variation ID: 3003441). An algorithm developed to predict the effect of missense changes on protein structure and function (PolyPhen-2) suggests that this variant is likely to be tolerated. In summary, the available evidence is currently insufficient to determine the role of this variant in disease. Therefore, it has been classified as a Variant of Uncertain Significance.

NM_004385.5(VCAN):c.8069C>G (p.Ala2690Gly)

Genes: VCAN (versican; plus strand), VCAN-AS1 (VCAN antisense RNA 1; minus strand). Cytogenetic location: 5q14.3.
Variant type: single nucleotide variant.
Coding change: c.8069C>G on transcript NM_004385.5 (MANE Select); coding-DNA position 8069, C replaced by G.
Protein change: p.Ala2690Gly; replaces alanine 2690 with glycine.
Molecular consequence: missense variant. On other transcripts: intron variant (2).
Genome position (GRCh38, 1-based): chr5:83,541,072, C>G. VCF-style: chr5-83541072-C-G. GRCh37 (hg19) VCF-style: chr5-82836891-C-G.
Other names: c.5108C>G, p.Ala1703Gly (NM_001164097.2); c.4004-4465C>G (NM_001164098.2); c.1043-4465C>G (NM_001126336.3); short protein forms A2690G, A1703G.
Identifiers: ClinVar variation 3003441 (VCV003003441.3), dbSNP rs1026028217, ClinGen allele CA121811548.